The following is an entry in ClinVar:

ClinVar aggregate classification (germline): Conflicting classifications of pathogenicity. Review status: criteria provided, conflicting classifications (1 of 4 stars). 5 submissions from 5 submitters: Uncertain significance (2); Benign (1); Likely benign (2). Last evaluated 2026-02-01.

Conditions:
Neonatal diabetes mellitus with congenital hypothyroidism. Also called: NDH SYNDROME. Identifiers: Orphanet 79118, MedGen C1857775, MONDO:0012436, OMIM 610199.

Allele frequency attached by ClinVar (database versions not stated): TOPMed 0.00066; gnomAD 0.00084 and 0.00086; ESP Exome Variant Server 0.00085; gnomAD exomes 0.00089 and 0.00131; ExAC 0.00097.
gnomAD v4.1: 1,997 of 1,611,854 alleles (0.12%); highest among the groups gnomAD compares: South Asian, 0.15%; 2 homozygotes.

Submissions (5):

Labcorp Genetics (formerly Invitae), Labcorp
Classification: Benign. Last evaluated: 2026-02-01. Review status: criteria provided, single submitter. Criteria: Invitae Variant Classification Sherloc (09022015). Collection method: clinical testing. Allele origin: germline.

CeGaT Center for Human Genetics Tuebingen
Classification: Likely benign. Last evaluated: 2024-12-01. Review status: criteria provided, single submitter. Criteria: CeGaT Center For Human Genetics Tuebingen Variant Classification Criteria Version 2. Collection method: clinical testing. Allele origin: germline. Affected: yes. Observed: 2 variant alleles.
Comment: GLIS3: BP4, BP7

Blueprint Genetics
Classification: Likely benign. Last evaluated: 2024-10-25. Review status: criteria provided, single submitter. Criteria: ACMG Guidelines, 2015. Collection method: clinical testing. Allele origin: germline.

Illumina Laboratory Services, Illumina
Classification: Uncertain significance for Neonatal diabetes mellitus with congenital hypothyroidism. Last evaluated: 2018-01-13. Review status: criteria provided, single submitter. Criteria: ICSL Variant Classification Criteria 13 December 2019. Collection method: clinical testing. Allele origin: germline.

Genetic Services Laboratory, University of Chicago
Classification: Uncertain significance. Last evaluated: 2016-11-07. Review status: criteria provided, single submitter. Criteria: ACMG Guidelines, 2015. Collection method: clinical testing. Allele origin: germline. Affected: no.

NM_001042413.2(GLIS3):c.1044C>T (p.Tyr348=)

Gene: GLIS3 (GLIS family zinc finger 3; minus strand). Cytogenetic location: 9p24.2.
Variant type: single nucleotide variant.
Coding change: c.1044C>T on transcript NM_001042413.2 (MANE Select); coding-DNA position 1044, C replaced by T.
Protein change: p.Tyr348=; no amino-acid change (tyrosine 348 retained).
Molecular consequence: synonymous variant.
Genome position (GRCh38, 1-based): chr9:4,118,434, G>A on the plus strand (C>T on the coding strand, the complement: GLIS3 is on the minus strand). VCF-style: chr9-4118434-G-A. GRCh37 (hg19) VCF-style: chr9-4118434-G-A.
Other names: c.579C>T, p.Tyr193= (NM_152629.4).
Identifiers: ClinVar variation 366987 (VCV000366987.42), dbSNP rs146238548, ClinGen allele CA4968321.